The following is an entry in ClinVar:

NM_000179.3(MSH6):c.1857A>C (p.Glu619Asp)

Gene: MSH6 (mutS homolog 6; plus strand). Cytogenetic location: 2p16.3.
Variant type: single nucleotide variant.
Coding change: c.1857A>C on transcript NM_000179.3 (MANE Select); coding-DNA position 1857, A replaced by C.
Protein change: p.Glu619Asp; replaces glutamic acid 619 with aspartic acid.
Molecular consequence: missense variant.
Genome position (GRCh38, 1-based): chr2:47,799,840, A>C. VCF-style: chr2-47799840-A-C. GRCh37 (hg19) VCF-style: chr2-48026979-A-C.
Other names: c.1467A>C, p.Glu489Asp (NM_001281492.2); c.951A>C, p.Glu317Asp (NM_001281493.2, NM_001281494.2); short protein forms E619D, E317D, E489D.
Identifiers: ClinVar variation 89228 (VCV000089228.37), dbSNP rs63751121, ClinGen allele CA009330.

ClinVar aggregate classification (germline): Conflicting classifications of pathogenicity. Review status: criteria provided, conflicting classifications (1 of 4 stars). 12 submissions from 12 submitters: Uncertain significance (10); Benign (1); Likely benign (1). Last evaluated 2026-05-13.

Conditions:
MSH6-related disorder. Also called: MSH6-related condition; MSH6-Related disorders.
Mismatch repair cancer syndrome 3. Identifiers: MedGen C5436807, MONDO:0030841, OMIM 619097.
Hereditary nonpolyposis colorectal neoplasms. Identifiers: MedGen C0009405, MeSH D003123.
Hereditary cancer-predisposing syndrome. Also called: Hereditary Cancer Syndrome; Tumor predisposition; Neoplastic Syndromes, Hereditary; Hereditary neoplastic syndrome. Identifiers: Orphanet 140162, MedGen C0027672, MeSH D009386, MONDO:0015356.
Lynch syndrome. Identifiers: Orphanet 144, MedGen C4552100, MONDO:0005835. Disease mechanism: loss of function.
Lynch syndrome 5 (LYNCH5). Also called: Hereditary non-polyposis colorectal cancer, type 5; Colorectal cancer, hereditary nonpolyposis, type 5. Identifiers: Orphanet 144, MedGen C1833477, MONDO:0013710, OMIM 614350. Disease mechanism: loss of function.
Endometrial carcinoma. Also called: Endometrial carcinoma, somatic. Identifiers: MedGen C0476089, MONDO:0002447, OMIM 608089, HP:0012114.

Allele frequency attached by ClinVar (database versions not stated): gnomAD exomes 0.00002; TOPMed 0.00002; ExAC 0.00003; gnomAD 0.00005; ESP Exome Variant Server 0.00015.
gnomAD v4.1: 43 of 1,614,112 alleles (0.0027%); highest among the groups gnomAD compares: Non-Finnish European, 0.0035%; no homozygotes.

Submissions (12):

PreventionGenetics, part of Exact Sciences
Classification: Uncertain significance for MSH6-related condition. Last evaluated: 2026-05-13. Review status: criteria provided, single submitter. Criteria: ACMG Guidelines, 2015. Collection method: clinical testing. Allele origin: germline.
Comment: The MSH6 c.1857A>C variant is predicted to result in the amino acid substitution p.Glu619Asp. This variant has been reported in one individual with colon cancer, one with endometrial cancer, as well as in one Swedish family with Lynch Syndrome (Table 1, Plaschke et al. 2004. PubMed ID: 15483016; Table 1, Suchy et al. 2006. PubMed ID: 16813607; Table I, Lagerstedt-Robinson et al. 2016. PubMed ID: 27601186). This variant is reported in 0.0039% of alleles in individuals of European (Non-Finnish) descent in gnomAD and has conflicting interpretations regarding its pathogenicity in ClinVar, ranging from uncertain to likely benign (Variation ID: 89228). At this time, the clinical significance of this variant is uncertain due to the absence of conclusive functional and genetic evidence.

Labcorp Genetics (formerly Invitae), Labcorp
Classification: Likely benign for Hereditary nonpolyposis colorectal neoplasms. Last evaluated: 2026-01-19. Review status: criteria provided, single submitter. Criteria: Invitae Variant Classification Sherloc (09022015). Collection method: clinical testing. Allele origin: germline.

Ambry Genetics
Classification: Uncertain significance for Hereditary cancer-predisposing syndrome. Last evaluated: 2025-04-24. Review status: criteria provided, single submitter. Criteria: Ambry Variant Classification Scheme 2023. Collection method: clinical testing. Allele origin: germline.
Comment: The p.E619D variant (also known as c.1857A>C), located in coding exon 4 of the MSH6 gene, results from an A to C substitution at nucleotide position 1857. The glutamic acid at codon 619 is replaced by aspartic acid, an amino acid with highly similar properties. This alteration was found to be in cis with the pathogenic mutation. The pathogenic mutation was found to be de novo in this individual, while the p.E619D alteration was paternally inherited (Plaschke J et al. J. Clin. Oncol. 2004 Nov;22:4486-94). This proband's tumor was not tested by IHC and no family members were tested for this alteration (Suchy J et al. Clin. Genet. 2006 Jul;70:68-70). In addition, this alteration has been identified in at least one Swedish family with a history of Lynch syndrome (Lagerstedt-Robinson K et al. Oncol. Rep. 2016 Nov;36(5):2823-2835). This amino acid position is highly conserved in available vertebrate species. In addition, the in silico prediction for this alteration is inconclusive. Since supporting evidence is limited at this time, the clinical significance of this alteration remains unclear.

GeneDx
Classification: Uncertain significance. Last evaluated: 2025-01-27. Review status: criteria provided, single submitter. Criteria: GeneDx Variant Classification Process June 2021. Collection method: clinical testing. Allele origin: germline. Affected: yes.
Comment: Not observed at significant frequency in large population cohorts (gnomAD); In silico analysis indicates that this missense variant does not alter protein structure/function; Observed in individuals with a personal or family history including colorectal, pancreatic, and unspecified Lynch syndrome-related cancer; the variant was also identified in an individual with breast and endometrial cancer in whom tumor studies revealed presence of all mismatch repair proteins and microsatellite stability in the endometrial tumor (PMID: 15483016, 27601186, 32113160, 16813607); This variant is associated with the following publications: (PMID: 16813607, 15483016, 23621914, 27601186, 32113160, 26934580, 36897649, 27930734, 17531815, 21120944)

Myriad Genetics, Inc.
Classification: Benign for Lynch syndrome 5. Last evaluated: 2024-12-30. Review status: criteria provided, single submitter. Criteria: Myriad Autosomal Dominant, Autosomal Recessive and X-Linked Classification Criteria (2023). Collection method: clinical testing. Allele origin: unknown.
Comment: This variant is considered benign. This variant has been observed in trans with a known pathogenic variant in one or more individuals lacking clinical features consistent with gene-specific recessive disease. This variant is strongly associated with less severe personal and family histories of cancer, typical for individuals without pathogenic variants in this gene [PMID: 27363726].

Molecular Pathology, Peter Maccallum Cancer Centre
Classification: Uncertain significance for Lynch syndrome 5. Last evaluated: 2024-09-02. Review status: criteria provided, single submitter. Criteria: ACMG Guidelines, 2015. Collection method: clinical testing. Allele origin: germline. Inheritance: Autosomal dominant inheritance.

Color Diagnostics, LLC DBA Color Health
Classification: Uncertain significance for Hereditary cancer-predisposing syndrome. Last evaluated: 2024-06-13. Review status: criteria provided, single submitter. Criteria: ACMG Guidelines, 2015. Collection method: clinical testing. Allele origin: germline.
Comment: This missense variant replaces glutamic acid with aspartic acid at codon 619 of the MSH6 protein. Computational prediction is inconclusive regarding the impact of this variant on protein structure and function (internally defined REVEL score threshold 0.5 < inconclusive < 0.7, PMID: 27666373). To our knowledge, functional studies have not been reported for this variant. This variant has been reported in an individual affected with Lynch syndrome (PMID: 27601186), an individual affected with colorectal cancer who carried a pathogenic mutation in the same gene (PMID: 15483016), an individual affected with breast and endometrial cancer with tumor showing microsatellite stability and normal MSH6 gene expression (PMID: 16813607), and an individual affected with pancreatic cancer (PMID: 32113160) . This variant has been identified in 5/282082 chromosomes in the general population by the Genome Aggregation Database (gnomAD). The available evidence is insufficient to determine the role of this variant in disease conclusively. Therefore, this variant is classified as a Variant of Uncertain Significance.

Blueprint Genetics
Classification: Uncertain significance. Last evaluated: 2024-04-15. Review status: criteria provided, single submitter. Criteria: ACMG Guidelines, 2015. Collection method: clinical testing. Allele origin: germline.

Baylor Genetics
Classification: Uncertain significance for Endometrial carcinoma. Last evaluated: 2024-03-22. Review status: criteria provided, single submitter. Criteria: ACMG Guidelines, 2015. Collection method: clinical testing. Allele origin: unknown.

All of Us Research Program, National Institutes of Health
Classification: Uncertain significance for Lynch syndrome. Last evaluated: 2023-11-28. Review status: criteria provided, single submitter. Criteria: ACMG Guidelines, 2015. Collection method: clinical testing. Allele origin: germline. Inheritance: Autosomal dominant inheritance. Observed: 7 variant alleles, 7 heterozygotes.
Comment: This missense variant replaces glutamic acid with aspartic acid at codon 619 of the MSH6 protein. Computational prediction is inconclusive regarding the impact of this variant on protein structure and function (internally defined REVEL score threshold 0.5 < inconclusive < 0.7, PMID: 27666373). To our knowledge, functional studies have not been reported for this variant. This variant has been reported in an individual affected with Lynch syndrome (PMID: 27601186), an individual affected with colorectal cancer who carried a pathogenic mutation in the same gene (PMID: 15483016), an individual affected with breast and endometrial cancer with tumor showing microsatellite stability and normal MSH6 gene expression (PMID: 16813607), and an individual affected with pancreatic cancer (PMID: 32113160) . This variant has been identified in 5/282082 chromosomes in the general population by the Genome Aggregation Database (gnomAD). The available evidence is insufficient to determine the role of this variant in disease conclusively. Therefore, this variant is classified as a Variant of Uncertain Significance.

This study involves interpretation of variants in research participants for the purpose of population health screening. Participant phenotype was not available at the time of variant classification. Additional details can be found in publication PMID: 35346344, PMCID: PMC8962531

Institute for Clinical Genetics, University Hospital TU Dresden, University Hospital TU Dresden
Classification: Uncertain significance. Last evaluated: 2021-11-03. Review status: criteria provided, single submitter. Criteria: ACMG Guidelines, 2015. Collection method: clinical testing. Allele origin: germline.

Department of Pathology and Laboratory Medicine, Sinai Health System
Classification: Uncertain significance for Mismatch repair cancer syndrome 3. Last evaluated: 2020-02-05. Review status: criteria provided, single submitter. Criteria: ACMG Guidelines, 2015. Collection method: clinical testing. Allele origin: germline. Affected: yes.

Literature cited by the submitters: PubMed 15483016 (cited by 4 submitters); PubMed 16813607 (cited by 4 submitters); PubMed 26934580 (cited by Ambry Genetics); PubMed 27930734 (cited by Ambry Genetics); PubMed 32113160 (cited by 3 submitters); PubMed 27363726 (cited by Myriad Genetics, Inc.); PubMed 27601186 (cited by 3 submitters).